The following is an entry in ClinVar:

ClinVar aggregate classification (germline): Uncertain significance (1 of 4 stars; one submission).

Conditions:
Inborn genetic diseases. Identifiers: MedGen C0950123, MeSH D030342.

gnomAD v4.1: 1 of 1,614,080 alleles (0.000062%); highest among the groups gnomAD compares: Non-Finnish European, 0.000085%; no homozygotes.

Submission:

Ambry Genetics
Classification: Uncertain significance for Inborn genetic diseases. Last evaluated: 2026-08-10. Review status: criteria provided, single submitter. Criteria: Ambry Variant Classification Scheme 2023. Collection method: clinical testing. Allele origin: germline.
Comment: The p.L278F variant (also known as c.832C>T), located in coding exon 10 of the FANCA gene, results from a C to T substitution at nucleotide position 832. The leucine at codon 278 is replaced by phenylalanine, an amino acid with highly similar properties. This amino acid position is conserved. In addition, the in silico prediction for this alteration is inconclusive. Based on the available evidence, the clinical significance of this variant remains unclear.

NM_000135.4(FANCA):c.832C>T (p.Leu278Phe)

Gene: FANCA (FA complementation group A; minus strand). Cytogenetic location: 16q24.3.
Variant type: single nucleotide variant.
Coding change: c.832C>T on transcript NM_000135.4 (MANE Select); coding-DNA position 832, C replaced by T.
Protein change: p.Leu278Phe; replaces leucine 278 with phenylalanine.
Molecular consequence: missense variant.
Genome position (GRCh38, 1-based): chr16:89,799,227, G>A on the plus strand (C>T on the coding strand, the complement: FANCA is on the minus strand). VCF-style: chr16-89799227-G-A. GRCh37 (hg19) VCF-style: chr16-89865635-G-A.
Other names: c.832C>T, p.Leu278Phe (NM_001018112.3, NM_001286167.3); c.736C>T, p.Leu246Phe (NM_001351830.2); short protein forms L246F, L278F.
Identifiers: ClinVar variation 5036405 (VCV005036405.1).